The following is an entry in ClinVar:

ClinVar aggregate classification (germline): Uncertain significance (1 of 4 stars; one submission).

Conditions:
Ullrich congenital muscular dystrophy 2 (UCMD2). Identifiers: Orphanet 75840, MedGen C4225314, MONDO:0014654, OMIM 616470.
Bethlem myopathy 2 (BTHLM2). Identifiers: Orphanet 536516, Orphanet 610, MedGen C4225313, MONDO:0034022, OMIM 616471.

Submission:

Labcorp Genetics (formerly Invitae), Labcorp
Classification: Uncertain significance for Bethlem myopathy 2; Ullrich congenital muscular dystrophy 2. Last evaluated: 2022-11-11. Review status: criteria provided, single submitter. Criteria: Invitae Variant Classification Sherloc (09022015). Collection method: clinical testing. Allele origin: germline.
Comment: This sequence change creates a premature translational stop signal (p.Tyr1138*) in the COL12A1 gene. Multiple COL12A1 isoforms have been reported, and the functional impact of this variant is uncertain (PMID: 8601036). This variant is not present in population databases (gnomAD no frequency). This variant has not been reported in the literature in individuals affected with COL12A1-related conditions. In summary, the available evidence is currently insufficient to determine the role of this variant in disease. Therefore, it has been classified as a Variant of Uncertain Significance.

Literature cited by the submitters: PubMed 8601036.

NM_004370.6(COL12A1):c.3414T>A (p.Tyr1138Ter)

Gene: COL12A1 (collagen type XII alpha 1 chain; minus strand). Cytogenetic location: 6q13.
Variant type: single nucleotide variant.
Coding change: c.3414T>A on transcript NM_004370.6 (MANE Select); coding-DNA position 3414, T replaced by A.
Protein change: p.Tyr1138Ter; replaces tyrosine 1138 with a stop codon.
Molecular consequence: nonsense. On other transcripts: intron variant (1).
Genome position (GRCh38, 1-based): chr6:75,155,691, A>T on the plus strand (T>A on the coding strand, the complement: COL12A1 is on the minus strand). VCF-style: chr6-75155691-A-T. GRCh37 (hg19) VCF-style: chr6-75865407-A-T.
Other names: c.74-3209T>A (NM_080645.3); short protein forms Y1138*.
Identifiers: ClinVar variation 2033251 (VCV002033251.4), dbSNP rs2533420581, ClinGen allele CA364752086.